The following is an entry in ClinVar:

ClinVar aggregate classification (germline): Uncertain significance. Review status: criteria provided, single submitter (1 of 4 stars). 2 submissions from 2 submitters: Uncertain significance (1). 1 of the submissions does not count toward it. Last evaluated 2021-04-21.

Conditions:
Emery-Dreifuss muscular dystrophy 4, autosomal dominant (EDMD4). Also called: EMERY-DREIFUSS MUSCULAR DYSTROPHY 4 WITH VARIABLE FEATURES. Identifiers: Orphanet 261, MedGen C2751807, MONDO:0013071, OMIM 612998.
Autosomal recessive ataxia, Beauce type. Also called: Spinocerebellar ataxia, autosomal recessive 8; ATAXIA, RECESSIVE, OF BEAUCE; SYNE1 Deficiency; SYNE1-Related Autosomal Recessive Cerebellar Ataxia. Identifiers: Orphanet 88644, MedGen C1853116, MONDO:0012549, OMIM 610743.

gnomAD v4.1: 16 of 1,613,996 alleles (0.00099%); highest among the groups gnomAD compares: Non-Finnish European, 0.0012%; no homozygotes.

Submissions (2):

Labcorp Genetics (formerly Invitae), Labcorp
Classification: Uncertain significance for Emery-Dreifuss muscular dystrophy 4, autosomal dominant; Autosomal recessive ataxia, Beauce type. Last evaluated: 2021-04-21. Review status: criteria provided, single submitter. Criteria: Invitae Variant Classification Sherloc (09022015). Collection method: clinical testing. Allele origin: germline.
Comment: This variant is not present in population databases (ExAC no frequency). This sequence change replaces glutamine with arginine at codon 2675 of the SYNE1 protein (p.Gln2675Arg). The glutamine residue is highly conserved and there is a small physicochemical difference between glutamine and arginine. In summary, the available evidence is currently insufficient to determine the role of this variant in disease. Therefore, it has been classified as a Variant of Uncertain Significance. Algorithms developed to predict the effect of sequence changes on RNA splicing suggest that this variant may disrupt the consensus splice site, but this prediction has not been confirmed by published transcriptional studies. Algorithms developed to predict the effect of missense changes on protein structure and function (SIFT, PolyPhen-2, Align-GVGD) all suggest that this variant is likely to be disruptive, but these predictions have not been confirmed by published functional studies and their clinical significance is uncertain. This variant has not been reported in the literature in individuals with SYNE1-related conditions.

Department of Pathology and Laboratory Medicine, Sinai Health System
Classification: Uncertain significance. Review status: no assertion criteria provided. Collection method: clinical testing. Allele origin: unknown. Affected: yes. Study: The Canadian Open Genetics Repository (COGR). Not counted in ClinVar's aggregate classification.

NM_182961.4(SYNE1):c.8003A>G (p.Gln2668Arg)

Gene: SYNE1 (spectrin repeat containing nuclear envelope protein 1; minus strand). Cytogenetic location: 6q25.2.
Variant type: single nucleotide variant.
Coding change: c.8003A>G on transcript NM_182961.4 (MANE Select); coding-DNA position 8003, A replaced by G.
Protein change: p.Gln2668Arg; replaces glutamine 2668 with arginine.
Molecular consequence: missense variant.
Genome position (GRCh38, 1-based): chr6:152,391,278, T>C on the plus strand (A>G on the coding strand, the complement: SYNE1 is on the minus strand). VCF-style: chr6-152391278-T-C. GRCh37 (hg19) VCF-style: chr6-152712413-T-C.
Other names: c.8024A>G, p.Gln2675Arg (NM_033071.5); short protein forms Q2668R, Q2675R.
Identifiers: ClinVar variation 1049424 (VCV001049424.9), dbSNP rs2154133685, ClinGen allele CA366108503.